The following is an entry in ClinVar:

NM_014208.3(DSPP):c.769G>A (p.Glu257Lys)

Genes: DMP1-AS1 (DMP1 and DSPP antisense RNA 1; minus strand), DSPP (dentin sialophosphoprotein; plus strand). Cytogenetic location: 4q22.1.
Variant type: single nucleotide variant.
Coding change: c.769G>A on transcript NM_014208.3 (MANE Select); coding-DNA position 769, G replaced by A.
Protein change: p.Glu257Lys; replaces glutamic acid 257 with lysine.
Molecular consequence: missense variant.
Genome position (GRCh38, 1-based): chr4:87,612,955, G>A. VCF-style: chr4-87612955-G-A. GRCh37 (hg19) VCF-style: chr4-88534107-G-A.
Other names: short protein forms E257K.
Identifiers: ClinVar variation 1304712 (VCV001304712.3), dbSNP rs774572896, ClinGen allele CA3000948.

ClinVar aggregate classification (germline): Uncertain significance. Review status: criteria provided, multiple submitters, no conflicts (2 of 4 stars). 2 submissions from 2 submitters: Uncertain significance (2). Last evaluated 2025-12-24.

Allele frequency attached by ClinVar (database versions not stated): gnomAD 0.00003 and 0.00004; TOPMed 0.00003; gnomAD exomes 0.00005 and 0.00007; ExAC 0.00006.

Submissions (2):

Labcorp Genetics (formerly Invitae), Labcorp
Classification: Uncertain significance. Last evaluated: 2025-12-24. Review status: criteria provided, single submitter. Criteria: Invitae Variant Classification Sherloc (09022015). Collection method: clinical testing. Allele origin: germline.
Comment: This sequence change replaces glutamic acid, which is acidic and polar, with lysine, which is basic and polar, at codon 257 of the DSPP protein (p.Glu257Lys). This variant is present in population databases (rs774572896, gnomAD 0.01%). This variant has not been reported in the literature in individuals affected with DSPP-related conditions. ClinVar contains an entry for this variant (Variation ID: 1304712). An algorithm developed to predict the effect of missense changes on protein structure and function outputs the following: PolyPhen-2: "Benign". The lysine amino acid residue is found in multiple mammalian species, which suggests that this missense change does not adversely affect protein function. In summary, the available evidence is currently insufficient to determine the role of this variant in disease. Therefore, it has been classified as a Variant of Uncertain Significance.

GeneDx
Classification: Uncertain significance. Last evaluated: 2019-03-29. Review status: criteria provided, single submitter. Criteria: GeneDx Variant Classification Process June 2021. Collection method: clinical testing. Allele origin: germline. Affected: yes.
Comment: In silico analysis, which includes protein predictors and evolutionary conservation, supports that this variant does not alter protein structure/function; Has not been previously published as pathogenic or benign to our knowledge